The following is an entry in ClinVar:

ClinVar aggregate classification (germline): Uncertain significance (1 of 4 stars; one submission).

Allele frequency attached by ClinVar (database versions not stated): TOPMed below 0.00001; gnomAD 0.00001.
gnomAD v4.1: 1 of 1,604,250 alleles (0.000062%); highest among the groups gnomAD compares: Non-Finnish European, 0.000085%; no homozygotes.

Submission:

Labcorp Genetics (formerly Invitae), Labcorp
Classification: Uncertain significance. Last evaluated: 2022-06-16. Review status: criteria provided, single submitter. Criteria: Invitae Variant Classification Sherloc (09022015). Collection method: clinical testing. Allele origin: germline.
Comment: In summary, the available evidence is currently insufficient to determine the role of this variant in disease. Therefore, it has been classified as a Variant of Uncertain Significance. This sequence change replaces glutamine, which is neutral and polar, with glutamic acid, which is acidic and polar, at codon 1138 of the PTPN23 protein (p.Gln1138Glu). This variant is not present in population databases (gnomAD no frequency). Algorithms developed to predict the effect of missense changes on protein structure and function are either unavailable or do not agree on the potential impact of this missense change (SIFT: "Tolerated"; PolyPhen-2: "Possibly Damaging"; Align-GVGD: "Class C0"). This variant has not been reported in the literature in individuals affected with PTPN23-related conditions.

NM_015466.4(PTPN23):c.3412C>G (p.Gln1138Glu)

Gene: PTPN23 (protein tyrosine phosphatase non-receptor type 23; plus strand). Cytogenetic location: 3p21.31.
Variant type: single nucleotide variant.
Coding change: c.3412C>G on transcript NM_015466.4 (MANE Select); coding-DNA position 3412, C replaced by G.
Protein change: p.Gln1138Glu; replaces glutamine 1138 with glutamic acid.
Molecular consequence: missense variant.
Genome position (GRCh38, 1-based): chr3:47,411,210, C>G. VCF-style: chr3-47411210-C-G. GRCh37 (hg19) VCF-style: chr3-47452700-C-G.
Other names: c.3034C>G, p.Gln1012Glu (NM_001304482.2); short protein forms Q1138E, Q1012E.
Identifiers: ClinVar variation 2046939 (VCV002046939.4), dbSNP rs1246768562, ClinGen allele CA352562140.